The following is an entry in ClinVar:

ClinVar aggregate classification (germline): Uncertain significance. Review status: criteria provided, multiple submitters, no conflicts (2 of 4 stars). 2 submissions from 2 submitters: Uncertain significance (2). Last evaluated 2023-06-16.

Conditions:
Inborn genetic diseases. Identifiers: MedGen C0950123, MeSH D030342.

Allele frequency attached by ClinVar (database versions not stated): gnomAD 0.00002.
gnomAD v4.1: 25 of 1,613,324 alleles (0.0015%); highest among the groups gnomAD compares: East Asian, 0.047%; no homozygotes.

Submissions (2):

Ambry Genetics
Classification: Uncertain significance for Inborn genetic diseases. Last evaluated: 2023-06-16. Review status: criteria provided, single submitter. Criteria: Ambry Variant Classification Scheme 2023. Collection method: clinical testing. Allele origin: germline.

Labcorp Genetics (formerly Invitae), Labcorp
Classification: Uncertain significance. Last evaluated: 2022-03-08. Review status: criteria provided, single submitter. Criteria: Invitae Variant Classification Sherloc (09022015). Collection method: clinical testing. Allele origin: germline.
Comment: This sequence change replaces arginine, which is basic and polar, with serine, which is neutral and polar, at codon 16 of the BMPER protein (p.Arg16Ser). This variant is present in population databases (rs760953708, gnomAD 0.09%). This variant has not been reported in the literature in individuals affected with BMPER-related conditions. Algorithms developed to predict the effect of missense changes on protein structure and function (SIFT, PolyPhen-2, Align-GVGD) all suggest that this variant is likely to be tolerated. Algorithms developed to predict the effect of sequence changes on RNA splicing suggest that this variant may create or strengthen a splice site. In summary, the available evidence is currently insufficient to determine the role of this variant in disease. Therefore, it has been classified as a Variant of Uncertain Significance.

NM_001365308.1(BMPER):c.46C>A (p.Arg16Ser)

Gene: BMPER (BMP binding endothelial regulator; plus strand). Cytogenetic location: 7p14.3.
Variant type: single nucleotide variant.
Coding change: c.46C>A on transcript NM_001365308.1 (MANE Select); coding-DNA position 46, C replaced by A.
Protein change: p.Arg16Ser; replaces arginine 16 with serine.
Molecular consequence: missense variant.
Genome position (GRCh38, 1-based): chr7:33,905,659, C>A. VCF-style: chr7-33905659-C-A. GRCh37 (hg19) VCF-style: chr7-33945271-C-A.
Other names: c.46C>A, p.Arg16Ser (NM_133468.5); c.46C>A (NM_133468.3); short protein forms R16S.
Identifiers: ClinVar variation 1429321 (VCV001429321.4), dbSNP rs760953708, ClinGen allele CA4214876.
Genomic context (GRCh38, chr7:33,905,659, plus strand): 5'-TCCCTCCAGGTGACGATGCTCTGGTTCTCCGGCGTCGGGGCTCTGGCTGAGCGTTACTGC[C>A]GCCGCTCGCCTGGGATTACGTGCTGCGTCTTGCTGCTACTCAATTGCTCGGGGGTCCCCA-3'
Protein context (NP_001352237.1, residues 6-26): GVGALAERYC[Arg16Ser]RSPGITCCVL